The following is an entry in ClinVar:

ClinVar aggregate classification (germline): Likely pathogenic. Review status: criteria provided, multiple submitters, no conflicts (2 of 4 stars). 2 submissions from 2 submitters: Likely pathogenic (2). Last evaluated 2025-04-03.

Conditions:
TWIST1-related disorder.

Submissions (2):

Greenwood Genetic Center Diagnostic Laboratories, Greenwood Genetic Center
Classification: Likely pathogenic for TWIST1-related disorder. Last evaluated: 2025-04-03. Review status: criteria provided, single submitter. Criteria: ACMG Guidelines, 2015. Collection method: clinical testing. Allele origin: germline. Affected: yes.
Comment: PM1, PM2, PM5_Supporting, PP3

GeneDx
Classification: Likely pathogenic. Last evaluated: 2024-11-27. Review status: criteria provided, single submitter. Criteria: GeneDx Variant Classification Process June 2021. Collection method: clinical testing. Allele origin: germline.
Comment: Not observed at significant frequency in large population cohorts (gnomAD); In silico analysis supports that this missense variant has a deleterious effect on protein structure/function; Has not been previously published as pathogenic or benign to our knowledge; This variant is associated with the following publications: (PMID: 10094188)

NM_000474.4(TWIST1):c.431G>A (p.Ser144Asn)

Genes: TWIST1 (twist family bHLH transcription factor 1; minus strand), LOC129998021 (ATAC-STARR-seq lymphoblastoid active region 25682; plus strand). Cytogenetic location: 7p21.1.
Variant type: single nucleotide variant.
Coding change: c.431G>A on transcript NM_000474.4 (MANE Select); coding-DNA position 431, G replaced by A.
Protein change: p.Ser144Asn; replaces serine 144 with asparagine.
Molecular consequence: missense variant. On other transcripts: non-coding transcript variant (1).
Genome position (GRCh38, 1-based): chr7:19,116,891, C>T on the plus strand (G>A on the coding strand, the complement: TWIST1 is on the minus strand). VCF-style: chr7-19116891-C-T. GRCh37 (hg19) VCF-style: chr7-19156514-C-T.
Other names: short protein forms S144N.
Identifiers: ClinVar variation 3340704 (VCV003340704.3).